The following is an entry in ClinVar:

ClinVar aggregate classification (germline): Likely pathogenic (1 of 4 stars; one submission).

Conditions:
Metaphyseal chondrodysplasia, McKusick type (CHH). Also called: Cartilage-hair hypoplasia; Cartilage-Hair Hypoplasia (CHH). Identifiers: Orphanet 175, MedGen C0220748, MONDO:0009595, OMIM 250250.

Submission:

Natera, Inc.
Classification: Likely pathogenic for Cartilage-hair hypoplasia. Last evaluated: 2025-10-20. Review status: criteria provided, single submitter. Criteria: Natera Variant Classification Schema (03/2026). Collection method: clinical testing. Allele origin: germline.
Comment: The n.-5delGinsACTACTCTGTGAAGCTGAGA variant in RMRP is an insertion affecting the RMRP promoter region between the TATA box and the transcription initiation site. Other duplications and insertions just upstream of the transcription initiation site have been reported in individuals affected with cartilage-hair hypoplasia (PMID: 11207361, 17937437). This variant is rare in the general population with a frequency below the threshold expected for the associated phenotype(s). Given the available evidence, this variant is classified as Likely pathogenic.

Literature cited by the submitters: PubMed 11207361; PubMed 17937437.

NR_003051.3(RMRP):n.-5delGinsACTACTCTGTGAAGCTGAGA

Gene: RMRP (RNA component of mitochondrial RNA processing endoribonuclease; minus strand). Cytogenetic location: 9p13.3.
Variant type: Indel.
Genome position: GRCh38 VCF-style: chr9-35658023-C-TCTCAGCTTCACAGAGTAGT. GRCh37 (hg19) VCF-style: chr9-35658020-C-TCTCAGCTTCACAGAGTAGT.
Identifiers: ClinVar variation 4817191 (VCV004817191.1).
Genomic context (GRCh38, chr9:35,658,023, plus strand): 5'-GGGGAGGAACAGAGTCCTCAGTGTGTAGCCTAGGATACAGGCCTTCAGCACGAACCACGT[C>TCTCAGCTTCACAGAGTAGT]CTCAGCTTCACAGAGTAGTATTTTATAGCCCTAAAGAAATTGTGTTTTATGATTAGGGTG-3'